The following is an entry in ClinVar:

NM_000321.3(RB1):c.2409C>T (p.Asn803=)

Gene: RB1 (RB transcriptional corepressor 1; plus strand). Cytogenetic location: 13q14.2.
Variant type: single nucleotide variant.
Coding change: c.2409C>T on transcript NM_000321.3 (MANE Select); coding-DNA position 2409, C replaced by T.
Protein change: p.Asn803=; no amino-acid change (asparagine 803 retained).
Molecular consequence: synonymous variant.
Genome position (GRCh38, 1-based): chr13:48,465,288, C>T. VCF-style: chr13-48465288-C-T. GRCh37 (hg19) VCF-style: chr13-49039424-C-T.
Identifiers: ClinVar variation 793488 (VCV000793488.13), dbSNP rs1379479714, ClinGen allele CA483740283.

ClinVar aggregate classification (germline): Benign/Likely benign. Review status: criteria provided, multiple submitters, no conflicts (2 of 4 stars). 3 submissions from 3 submitters: Benign (1); Likely benign (2). Last evaluated 2026-06-25.

Conditions:
Retinoblastoma (RB1). Also called: RETINOBLASTOMA, SOMATIC. Identifiers: Orphanet 790, MedGen C0035335, MeSH D012175, MONDO:0008380, OMIM 180200, HP:0009919. Disease mechanism: loss of function. Inheritance: Both sporadic and heritable forms are tested..
Hereditary cancer-predisposing syndrome. Also called: Tumor predisposition; Hereditary Cancer Syndrome; Hereditary neoplastic syndrome; Neoplastic Syndromes, Hereditary. Identifiers: Orphanet 140162, MedGen C0027672, MeSH D009386, MONDO:0015356.

Allele frequency attached by ClinVar (database versions not stated): TOPMed below 0.00001.

Submissions (3):

Myriad Genetics, Inc.
Classification: Benign for Retinoblastoma. Last evaluated: 2026-06-25. Review status: criteria provided, single submitter. Criteria: Myriad Autosomal Dominant, Autosomal Recessive and X-Linked Classification Criteria (2023). Collection method: clinical testing. Allele origin: unknown.
Comment: This variant is considered benign. This variant is a silent/synonymous amino acid change and it is not expected to impact splicing.

Labcorp Genetics (formerly Invitae), Labcorp
Classification: Likely benign for Retinoblastoma. Last evaluated: 2026-01-05. Review status: criteria provided, single submitter. Criteria: Invitae Variant Classification Sherloc (09022015). Collection method: clinical testing. Allele origin: germline.

Ambry Genetics
Classification: Likely benign for Hereditary cancer-predisposing syndrome. Last evaluated: 2021-05-13. Review status: criteria provided, single submitter. Criteria: Ambry Variant Classification Scheme 2023. Collection method: clinical testing. Allele origin: germline.